The following is an entry in ClinVar:

ClinVar aggregate classification (germline): Pathogenic (1 of 4 stars; one submission).

Submission:

GeneDx
Classification: Pathogenic. Last evaluated: 2015-09-03. Review status: criteria provided, single submitter. Criteria: GeneDx Variant Classification (06012015). Collection method: clinical testing. Allele origin: germline. Affected: yes.
Comment: The c.1887_1888delTT deletion in the KAL1 gene has been reported previously in association with Kallmann syndrome and idiopathic hypogonadotropic hypogonadism (Miraoui et al., 2013, Ma et al., 2011; Sykiotis et al., 2010). The deletion causes a frameshift starting with codon Tyrosine 630, changes this amino acid to a Proline residue and creates a premature Stop codon at position 36 of the new reading frame, denoted p.Tyr630ProfsX36. This variant is located in the highly conserved Fibronectin type-II domain and is predicted to cause loss of normal protein function through protein truncation. Therefore, we interpret this deletion as a pathogenic variant.

NM_000216.4(ANOS1):c.1887_1888del (p.Tyr630fs)

Gene: ANOS1 (anosmin 1; minus strand). Cytogenetic location: Xp22.31.
Variant type: Deletion.
Coding change: c.1887_1888del on transcript NM_000216.4 (MANE Select); coding-DNA positions 1887 to 1888, 2 bases deleted (TT; older notation c.1887_1888delTT).
Protein change: p.Tyr630fs; shifts the reading frame from tyrosine 630.
Molecular consequence: frameshift variant.
Genome position (GRCh38, 1-based): chrX:8,534,415-8,534,416, AA deleted on the plus strand (TT on the coding strand, the reverse complement: ANOS1 is on the minus strand); deleting any 2 consecutive bases within chrX:8,534,415-8,534,417 gives the same sequence; the c. name uses the placement nearest the transcript's 3' end. VCF-style (leftmost placement, unchanged base first): chrX-8534414-TAA-T. GRCh37 (hg19) VCF-style: chrX-8502455-TAA-T.
Other names: short protein forms Y630fs.
Identifiers: ClinVar variation 429739 (VCV000429739.2), dbSNP rs1131691560, ClinGen allele CA645369746.